The following is an entry in ClinVar:

NM_001257308.2(MINAR2):c.84C>G (p.Ala28=)

Gene: MINAR2 (membrane integral NOTCH2 associated receptor 2; plus strand). Cytogenetic location: 5q23.3.
Variant type: single nucleotide variant.
Coding change: c.84C>G on transcript NM_001257308.2 (MANE Select); coding-DNA position 84, C replaced by G.
Protein change: p.Ala28=; no amino-acid change (alanine 28 retained).
Molecular consequence: synonymous variant.
Genome position (GRCh38, 1-based): chr5:129,748,274, C>G. VCF-style: chr5-129748274-C-G. GRCh37 (hg19) VCF-style: chr5-129083967-C-G.
Identifiers: ClinVar variation 3347059 (VCV003347059.1).
Genomic context (GRCh38, chr5:129,748,274, plus strand): 5'-TAACAACCATCCTGACAAATTCCTGCAGCTTGACGTAAAGTCTTTAACGAGGAGCTCAGC[C>G]CTCCTTCAGGCCAGCCTGGTGAGGTTTCCGGGTGGAAATTATCCTGCTGCACAACACTGG-3'
Protein context (NP_001244237.1, residues 18-38): LDVKSLTRSS[Ala28=]LLQASLVRFP

ClinVar aggregate classification (germline): Likely benign (0 of 4 stars; one submission).

Conditions:
MINAR2-related condition.

gnomAD v4.1: 16 of 1,535,156 alleles (0.001%); highest among the groups gnomAD compares: African/African-American, 0.0027%; no homozygotes.

Submission:

PreventionGenetics, part of Exact Sciences
Classification: Likely benign for MINAR2-related condition. Last evaluated: 2024-09-18. Review status: no assertion criteria provided. Collection method: clinical testing. Allele origin: germline.
Comment: This variant is classified as likely benign based on ACMG/AMP sequence variant interpretation guidelines (Richards et al. 2015 PMID: 25741868, with internal and published modifications).